The following is an entry in ClinVar:

NM_031955.6(SPATA16):c.1365G>T (p.Val455=)

Gene: SPATA16 (spermatogenesis associated 16; minus strand). Cytogenetic location: 3q26.31.
Variant type: single nucleotide variant.
Coding change: c.1365G>T on transcript NM_031955.6 (MANE Select); coding-DNA position 1365, G replaced by T.
Protein change: p.Val455=; no amino-acid change (valine 455 retained).
Molecular consequence: synonymous variant.
Genome position (GRCh38, 1-based): chr3:172,916,455, C>A on the plus strand (G>T on the coding strand, the complement: SPATA16 is on the minus strand). VCF-style: chr3-172916455-C-A. GRCh37 (hg19) VCF-style: chr3-172634245-C-A.
Identifiers: ClinVar variation 344207 (VCV000344207.5), dbSNP rs199707743, ClinGen allele CA2708073.

ClinVar aggregate classification (germline): Likely benign (1 of 4 stars; one submission).

Conditions:
Spermatogenic failure 6 (SPGF6). Also called: ROUND-HEADED SPERMATOZOA; ACROSOME MALFORMATION OF SPERMATOZOA. Identifiers: Orphanet 171709, MedGen C4225503, MONDO:0007060, OMIM 102530.

Allele frequency attached by ClinVar (database versions not stated): gnomAD 0.00001 and 0.00050; TOPMed 0.00012; gnomAD exomes 0.00081 and 0.00165; ExAC 0.00196; 1000 Genomes Project 30x 0.00390; 1000 Genomes Project 0.00439.
gnomAD v4.1: 1,271 of 1,613,802 alleles (0.079%); highest among the groups gnomAD compares: South Asian, 1.3%; 18 homozygotes.

Submission:

Illumina Laboratory Services, Illumina
Classification: Likely benign for Spermatogenic failure 6. Last evaluated: 2018-01-13. Review status: criteria provided, single submitter. Criteria: ICSL Variant Classification Criteria 13 December 2019. Collection method: clinical testing. Allele origin: germline.
Comment: This variant was observed in the ICSL laboratory as part of a predisposition screen in an ostensibly healthy population. It had not been previously curated by ICSL or reported in the Human Gene Mutation Database (HGMD: prior to June 1st, 2018), and was therefore a candidate for classification through an automated scoring system. Utilizing variant allele frequency, disease prevalence and penetrance estimates, and inheritance mode, an automated score was calculated to assess if this variant is too frequent to cause the disease. Based on the score and internal cut-off values, a variant classified as likely benign is not then subjected to further curation. The score for this variant resulted in a classification of likely benign for this disease.